The following is an entry in ClinVar:

NM_002427.4(MMP13):c.276A>C (p.Lys92Asn)

Genes: MMP13 (matrix metallopeptidase 13; minus strand), LOC126861318 (BRD4-independent group 4 enhancer GRCh37_chr11:102825894-102827093; plus strand). Cytogenetic location: 11q22.2.
Variant type: single nucleotide variant.
Coding change: c.276A>C on transcript NM_002427.4 (MANE Select); coding-DNA position 276, A replaced by C.
Protein change: p.Lys92Asn; replaces lysine 92 with asparagine.
Molecular consequence: missense variant.
Genome position (GRCh38, 1-based): chr11:102,955,338, T>G on the plus strand (A>C on the coding strand, the complement: MMP13 is on the minus strand). VCF-style: chr11-102955338-T-G. GRCh37 (hg19) VCF-style: chr11-102826067-T-G.
Other names: c.276A>C (NM_002427.3); short protein forms K92N.
Identifiers: ClinVar variation 3677646 (VCV003677646.3).
Genomic context (GRCh38, chr11:102,955,338, plus strand): 5'-TTTAAGAGTTCGAGGGAAAACATTGTATTCACCCACATCAGGAACCCCGCATCTTGGCTT[T>G]TTCATGACATCTAAGGTGTTATCGTCAAGTTTGCCAGTCACCTCTAAGCCGAAGAAAGAC-3'
Protein context (NP_002418.1, residues 82-102): KLDDNTLDVM[Lys92Asn]KPRCGVPDVG

ClinVar aggregate classification (germline): Uncertain significance. Review status: criteria provided, multiple submitters, no conflicts (2 of 4 stars). 2 submissions from 2 submitters: Uncertain significance (2). Last evaluated 2025-08-03.

gnomAD v4.1: 1 of 1,614,048 alleles (0.000062%); highest among the groups gnomAD compares: African/African-American, 0.0013%; no homozygotes.

Submissions (2):

Ambry Genetics
Classification: Uncertain significance. Last evaluated: 2025-08-03. Review status: criteria provided, single submitter. Criteria: Ambry Variant Classification Scheme 2023. Collection method: clinical testing. Allele origin: germline.

Labcorp Genetics (formerly Invitae), Labcorp
Classification: Uncertain significance. Last evaluated: 2024-03-07. Review status: criteria provided, single submitter. Criteria: Invitae Variant Classification Sherloc (09022015). Collection method: clinical testing. Allele origin: germline.
Comment: This sequence change replaces lysine, which is basic and polar, with asparagine, which is neutral and polar, at codon 92 of the MMP13 protein (p.Lys92Asn). This variant is not present in population databases (gnomAD no frequency). This variant has not been reported in the literature in individuals affected with MMP13-related conditions. Advanced modeling of protein sequence and biophysical properties (such as structural, functional, and spatial information, amino acid conservation, physicochemical variation, residue mobility, and thermodynamic stability) performed at Invitae indicates that this missense variant is not expected to disrupt MMP13 protein function with a negative predictive value of 80%. In summary, the available evidence is currently insufficient to determine the role of this variant in disease. Therefore, it has been classified as a Variant of Uncertain Significance.